The following is an entry in ClinVar:

NM_004472.3(FOXD1):c.6C>T (p.Thr2=)

Gene: FOXD1 (forkhead box D1; minus strand). Cytogenetic location: 5q13.2.
Variant type: single nucleotide variant.
Coding change: c.6C>T on transcript NM_004472.3 (MANE Select); coding-DNA position 6, C replaced by T.
Protein change: p.Thr2=; no amino-acid change (threonine 2 retained).
Molecular consequence: synonymous variant.
Genome position (GRCh38, 1-based): chr5:73,448,357, G>A on the plus strand (C>T on the coding strand, the complement: FOXD1 is on the minus strand). VCF-style: chr5-73448357-G-A. GRCh37 (hg19) VCF-style: chr5-72744182-G-A.
Identifiers: ClinVar variation 3045411 (VCV003045411.2), dbSNP rs1418890225, ClinGen allele CA445096928.

ClinVar aggregate classification (germline): Likely benign (0 of 4 stars; one submission).

Conditions:
FOXD1-related disorder. Also called: FOXD1-related condition.

Allele frequency attached by ClinVar (database versions not stated): gnomAD exomes 0.00002.

Submission:

PreventionGenetics, part of Exact Sciences
Classification: Likely benign for FOXD1-related condition. Last evaluated: 2019-11-11. Review status: no assertion criteria provided. Collection method: clinical testing. Allele origin: germline.
Comment: This variant is classified as likely benign based on ACMG/AMP sequence variant interpretation guidelines (Richards et al. 2015 PMID: 25741868, with internal and published modifications).